The following is an entry in ClinVar:

ClinVar aggregate classification (germline): Likely benign (1 of 4 stars; one submission).

Conditions:
TTN-related disorder. Also called: TTN-related condition; TTN-related disease; TTN-related disorders.

Submission:

PreventionGenetics, part of Exact Sciences
Classification: Likely benign for TTN-related condition. Last evaluated: 2026-03-27. Review status: criteria provided, single submitter. Criteria: ACMG Guidelines, 2015. Collection method: clinical testing. Allele origin: germline.
Comment: This variant is classified as likely benign based on ACMG/AMP sequence variant interpretation guidelines (Richards et al. 2015 PMID: 25741868, with internal and published modifications).

NM_001267550.2(TTN):c.9703+9G>T

Gene: TTN (titin; minus strand). Cytogenetic location: 2q31.2.
Variant type: single nucleotide variant.
Coding change: c.9703+9G>T on transcript NM_001267550.2 (MANE Select); 9 bases into the intron after coding-DNA position 9703, G replaced by T.
Molecular consequence: intron variant.
Genome position (GRCh38, 1-based): chr2:178,766,372, C>A on the plus strand (G>T on the coding strand, the complement: TTN is on the minus strand). VCF-style: chr2-178766372-C-A. GRCh37 (hg19) VCF-style: chr2-179631099-C-A.
Other names: c.9565+9G>T (NM_003319.4, NM_133437.4, NM_133432.3); c.9703+9G>T (NM_133378.4, NM_001256850.1, NM_133379.5).
Identifiers: ClinVar variation 5002609 (VCV005002609.1).